The following is an entry in ClinVar:

NM_000089.4(COL1A2):c.1406G>C (p.Gly469Ala)

Gene: COL1A2 (collagen type I alpha 2 chain; plus strand). Cytogenetic location: 7q21.3.
Variant type: single nucleotide variant.
Coding change: c.1406G>C on transcript NM_000089.4 (MANE Select); coding-DNA position 1406, G replaced by C.
Protein change: p.Gly469Ala; replaces glycine 469 with alanine.
Molecular consequence: missense variant.
Genome position (GRCh38, 1-based): chr7:94,412,585, G>C. VCF-style: chr7-94412585-G-C. GRCh37 (hg19) VCF-style: chr7-94041897-G-C.
Other names: c.1406G>C (LRG_2t1); short protein forms G469A.
Identifiers: ClinVar variation 425648 (VCV000425648.6), dbSNP rs72658119, ClinGen allele CA162925041.

ClinVar aggregate classification (germline): Pathogenic/Likely pathogenic. Review status: criteria provided, multiple submitters, no conflicts (2 of 4 stars). 5 submissions from 5 submitters: Pathogenic (2); Likely pathogenic (2). 1 of the submissions does not count toward it. Last evaluated 2024-06-24.

Conditions:
COL1A2-related disorder. Also called: COL1A2-Related Disorders; COL1A2-related condition.
Osteogenesis imperfecta type I (OI1). Also called: Lobstein's Disease; Lobstein disease; OI, TYPE I; OSTEOGENESIS IMPERFECTA TARDA; OSTEOGENESIS IMPERFECTA WITH BLUE SCLERAE; Classic Non-deforming Osteogenesis Imperfecta with Blue Sclerae. Identifiers: Orphanet 216796, Orphanet 666, MedGen C0023931, MONDO:0008146, OMIM 166200. Disease mechanism: loss of function.
Ehlers-Danlos syndrome, classic type, 1 (EDSCL1). Also called: Ehlers-Danlos syndrome, type 1; EHLERS-DANLOS SYNDROME, GRAVIS TYPE; EHLERS-DANLOS SYNDROME, SEVERE CLASSIC TYPE; EDS I; Ehlers-Danlos Syndrome, Classic Type, COL5A1-Related. Identifiers: MedGen C0268335, MONDO:0019567, OMIM 130000.
Osteogenesis imperfecta with normal sclerae, dominant form (OI4). Also called: OSTEOGENESIS IMPERFECTA, TYPE IV, WITH DENTINOGENESIS IMPERFECTA; OSTEOGENESIS IMPERFECTA WITH NORMAL SCLERAE; Common Variable Osteogenesis Imperfecta with Normal Sclerae; Osteogenesis imperfecta type 4; Osteogenesis Imperfecta Type IV. Identifiers: Orphanet 216820, Orphanet 666, MedGen C0268363, MONDO:0008148, OMIM 166220.

Submissions (5):

Labcorp Genetics (formerly Invitae), Labcorp
Classification: Pathogenic for Osteogenesis imperfecta type I; Ehlers-Danlos syndrome, classic type, 1. Last evaluated: 2024-06-24. Review status: criteria provided, single submitter. Criteria: Invitae Variant Classification Sherloc (09022015). Collection method: clinical testing. Allele origin: germline.
Comment: This sequence change replaces glycine, which is neutral and non-polar, with alanine, which is neutral and non-polar, at codon 469 of the COL1A2 protein (p.Gly469Ala). This variant is not present in population databases (gnomAD no frequency). This missense change has been observed in individual(s) with autosomal dominant osteogenesis imperfecta (PMID: 11836364, 27510842). ClinVar contains an entry for this variant (Variation ID: 425648). Experimental studies and prediction algorithms are not available or were not evaluated, and the functional significance of this variant is currently unknown. This variant disrupts the triple helix domain of COL1A2. Glycine residues within the Gly-Xaa-Yaa repeats of the triple helix domain are required for the structure and stability of fibrillar collagens (PMID: 7695699, 8218237, 19344236). In COL1A2, variants affecting these glycine residues are significantly enriched in individuals with disease (PMID: 9016532, 17078022) compared to the general population (ExAC). For these reasons, this variant has been classified as Pathogenic.

Blueprint Genetics
Classification: Likely pathogenic for COL1A2-related disorders. Last evaluated: 2024-05-10. Review status: criteria provided, single submitter. Criteria: ACMG Guidelines, 2015. Collection method: clinical testing. Allele origin: germline. Affected: yes. Observed: 1 variant allele.

Revvity Omics, Revvity
Classification: Pathogenic. Last evaluated: 2023-08-28. Review status: criteria provided, single submitter. Criteria: ACMG Guidelines, 2015. Collection method: clinical testing. Allele origin: germline.

Neuberg Centre For Genomic Medicine, NCGM
Classification: Likely pathogenic for Osteogenesis imperfecta with normal sclerae, dominant form. Last evaluated: 2023-05-20. Review status: criteria provided, single submitter. Criteria: ACMG Guidelines, 2015. Collection method: clinical testing. Allele origin: germline. Inheritance: Autosomal dominant inheritance. Affected: yes.
Comment: The missense c.1406G>C (p.Gly469Ala) variant in the COL1A2 gene has been reported previously in individuals with Osteogenesis imperfect type IV (Lindahl, Katarina et al., 2015;Johnson, M T et al.,2022). The variant is absent in gnomAD Exomes. This variant has been reported to the ClinVar database as Pathogenic. The amino acid Glycine at position 469 is changed to a Alanine changing protein sequence and it might alter its composition and physico-chemical properties. Multiple lines of computational evidence (Polyphen - Damaging, SIFT – Damaging and MutationTaster - Disease causing) predict a damaging effect on protein structure and function for this variant. The amino acid change p.Gly469Ala in COL1A2 is predicted as conserved by GERP++ and PhyloP across 100 vertebrates. Study in multiple affected individuals and functional studies are required to prove the pathogenicity for the variant. For these reasons, this variant has been classified as Likely Pathogenic.

Department of Medical Sciences, Uppsala University
Classification: Pathogenic for OI type IV. Review status: no assertion criteria provided. Collection method: clinical testing. Allele origin: unknown. Affected: yes. Observed: 1 variant allele. Not counted in ClinVar's aggregate classification.

Literature cited by the submitters: PubMed 11836364 (cited by Labcorp Genetics (formerly Invitae), Labcorp); PubMed 27510842 (cited by Labcorp Genetics (formerly Invitae), Labcorp); PubMed 7695699 (cited by Labcorp Genetics (formerly Invitae), Labcorp); PubMed 8218237 (cited by Labcorp Genetics (formerly Invitae), Labcorp); PubMed 19344236 (cited by Labcorp Genetics (formerly Invitae), Labcorp); PubMed 9016532 (cited by Labcorp Genetics (formerly Invitae), Labcorp); PubMed 17078022 (cited by Labcorp Genetics (formerly Invitae), Labcorp); PubMed 25944380 (cited by Department of Medical Sciences, Uppsala University).